The following is an entry in ClinVar:

NM_001077415.3(CRELD1):c.733+2T>A

Gene: CRELD1 (cysteine rich with EGF like domains 1; plus strand). Cytogenetic location: 3p25.3.
Variant type: single nucleotide variant.
Coding change: c.733+2T>A on transcript NM_001077415.3 (MANE Select); the canonical splice donor site of the intron after coding-DNA position 733, T replaced by A.
Molecular consequence: splice donor variant.
Genome position (GRCh38, 1-based): chr3:9,941,208, T>A. VCF-style: chr3-9941208-T-A. GRCh37 (hg19) VCF-style: chr3-9982892-T-A.
Other names: c.733+2T>A (NM_001374317.1, NM_001031717.4, NM_001374319.1 and 5 more transcripts).
Identifiers: ClinVar variation 3369656 (VCV003369656.1).

ClinVar aggregate classification (germline): Uncertain significance (1 of 4 stars; one submission).

Submission:

GeneDx
Classification: Uncertain significance. Last evaluated: 2024-03-08. Review status: criteria provided, single submitter. Criteria: GeneDx Variant Classification Process June 2021. Collection method: clinical testing. Allele origin: germline. Affected: yes.
Comment: Canonical splice site variant predicted to result in an in-frame loss of the adjacent exon in a gene for which loss of function is a known mechanism of disease; Has not been previously published as pathogenic or benign to our knowledge